The following is an entry in ClinVar:

NM_002024.6(FMR1):c.-99_-94del

Genes: FMR1 (fragile X messenger ribonucleoprotein 1; plus strand), FRAXA (fragile site, folic acid type, rare, fra(X)(q27.3) A; plus strand), LOC107032825 (origin of replication in 5' region of FMR1; plus strand), LOC129929053 (ATAC-STARR-seq lymphoblastoid silent region 21039; plus strand). Cytogenetic location: Xq27.3.
Variant type: Deletion.
Coding change: c.-99_-94del on transcript NM_002024.6 (MANE Select); 99 bases upstream of the start codon through 94 bases upstream of the start codon, 6 bases deleted (AGGCGG; older notation c.-99_-94delAGGCGG).
Molecular consequence: 5 prime UTR variant. On other transcripts: non-coding transcript variant (2).
Genome position (GRCh38, 1-based): chrX:147,912,081-147,912,086, AGGCGG deleted; deleting any 6 consecutive bases within chrX:147,912,076-147,912,086 gives the same sequence; the c. name uses the placement nearest the transcript's 3' end. VCF-style (leftmost placement, unchanged base first): chrX-147912075-CGGCGGA-C. GRCh37 (hg19) VCF-style: chrX-146993593-CGGCGGA-C.
Other names: c.-99_-94del (NM_001185075.2, NM_001185076.2, NM_001185081.2 and 1 more transcripts).
Identifiers: ClinVar variation 2661589 (VCV002661589.22), dbSNP rs1354701418, ClinGen allele CA645127226.
Genomic context (GRCh38, chrX:147,912,075, plus strand): 5'-GACGGAGGCGCCGCTGCCAGGGGGCGTGCGGCAGCGCGGCGGCGGCGGCGGCGGCGGCGG[CGGCGGA>C]GGCGGCGGCGGCGGCGGCGGCGGCGGCGGCTGGGCCTCGAGCGCCCGCAGCCCACCTCTC-3'

ClinVar aggregate classification (germline): Likely benign (1 of 4 stars; one submission).

Submission:

CeGaT Center for Human Genetics Tuebingen
Classification: Likely benign. Last evaluated: 2024-05-01. Review status: criteria provided, single submitter. Criteria: CeGaT Center For Human Genetics Tuebingen Variant Classification Criteria Version 2. Collection method: clinical testing. Allele origin: germline. Affected: yes. Observed: 3 variant alleles.
Comment: FMR1: BS2